The following is an entry in ClinVar:

ClinVar aggregate classification (germline): Uncertain significance (1 of 4 stars; one submission).

Conditions:
Hereditary sensory and autonomic neuropathy type 6. Also called: HSAN VI; Neuropathy, hereditary sensory and autonomic, type VI. Identifiers: Orphanet 314381, MedGen C3539003, MONDO:0013839, OMIM 614653.
Epidermolysis bullosa simplex 3, localized or generalized intermediate, with BP230 deficiency (EBS3). Also called: Epidermolysis bullosa simplex, autosomal recessive 2; Epidermolysis bullosa simplex due to BP230 deficiency. Identifiers: Orphanet 412181, MedGen C3809470, MONDO:0014180, OMIM 615425.

gnomAD v4.1: 2 of 1,614,216 alleles (0.00012%); highest among the groups gnomAD compares: Non-Finnish European, 0.00017%; no homozygotes.

Submission:

Labcorp Genetics (formerly Invitae), Labcorp
Classification: Uncertain significance for Epidermolysis bullosa simplex 3, localized or generalized intermediate, with BP230 deficiency; Hereditary sensory and autonomic neuropathy type 6. Last evaluated: 2020-12-30. Review status: criteria provided, single submitter. Criteria: Invitae Variant Classification Sherloc (09022015). Collection method: clinical testing. Allele origin: germline.
Comment: This variant is not present in population databases (ExAC no frequency). In summary, the available evidence is currently insufficient to determine the role of this variant in disease. Therefore, it has been classified as a Variant of Uncertain Significance. Algorithms developed to predict the effect of missense changes on protein structure and function (SIFT, PolyPhen-2, Align-GVGD) all suggest that this variant is likely to be tolerated, but these predictions have not been confirmed by published functional studies and their clinical significance is uncertain. This variant has not been reported in the literature in individuals with DST-related conditions. This sequence change replaces lysine with glutamine at codon 1870 of the DST protein (p.Lys1870Gln). The lysine residue is weakly conserved and there is a small physicochemical difference between lysine and glutamine.

NM_001723.7(DST):c.5608A>C (p.Lys1870Gln)

Gene: DST (dystonin; minus strand). Cytogenetic location: 6p12.1.
Variant type: single nucleotide variant.
Coding change: c.5608A>C on transcript NM_001723.7 (MANE Plus Clinical); coding-DNA position 5608, A replaced by C.
Protein change: p.Lys1870Gln; replaces lysine 1870 with glutamine.
Molecular consequence: missense variant. On other transcripts: intron variant (10).
Genome position (GRCh38, 1-based): chr6:56,618,426, T>G on the plus strand (A>C on the coding strand, the complement: DST is on the minus strand). VCF-style: chr6-56618426-T-G. GRCh37 (hg19) VCF-style: chr6-56483224-T-G.
Other names: c.4831-3942A>C (NM_001144769.5); c.4930-3942A>C (NM_001374722.1, NM_001374736.1); c.4957-3942A>C (NM_001374734.1); c.4417-3942A>C (NM_001144770.2); c.4297-3942A>C (NM_001374730.1, NM_001386100.1, NM_183380.4 and 1 more transcripts); c.3319-3942A>C (NM_015548.5); short protein forms K1870Q.
Identifiers: ClinVar variation 1346737 (VCV001346737.8), dbSNP rs2152734459, ClinGen allele CA364566976.